The following is an entry in ClinVar:

ClinVar aggregate classification (germline): Uncertain significance (1 of 4 stars; one submission).

Conditions:
Wilson disease (WND). Also called: Wilson's disease. Identifiers: Orphanet 905, MedGen C0019202, MONDO:0010200, OMIM 277900. Disease mechanism: loss of function.

Submission:

All of Us Research Program, National Institutes of Health
Classification: Uncertain significance for Wilson disease. Last evaluated: 2024-08-13. Review status: criteria provided, single submitter. Criteria: ACMG Guidelines, 2015. Collection method: clinical testing. Allele origin: germline. Inheritance: Autosomal recessive inheritance. Observed: 1 variant allele, 1 heterozygote.
Comment: This variant deletes nucleotides from the +6 to the +12 positions in intron 12/20 of the ATP7B gene. To our knowledge, RNA studies have not been reported for this variant. This variant has not been reported in individuals affected with ATP7B-related disorders in the literature. This variant has not been identified in the general population by the Genome Aggregation Database (gnomAD). The available evidence is insufficient to determine the role of this variant in disease conclusively. Therefore, this variant is classified as a Variant of Uncertain Significance.

This study involves interpretation of variants in research participants for the purpose of population health screening. Participant phenotype was not available at the time of variant classification. Additional details can be found in publication PMID: 35346344, PMCID: PMC8962531

NM_000053.4(ATP7B):c.2865+6_2865+12del

Gene: ATP7B (ATPase copper transporting beta; minus strand). Cytogenetic location: 13q14.3.
Variant type: Deletion.
Coding change: c.2865+6_2865+12del on transcript NM_000053.4 (MANE Select); bases 6 to 12 of the intron after coding-DNA position 2865, 7 bases deleted (TTGAATG; older notation c.2865+6_2865+12delTTGAATG).
Molecular consequence: intron variant.
Genome position (GRCh38, 1-based): chr13:51,949,650-51,949,656, CATTCAA deleted on the plus strand (TTGAATG on the coding strand, the reverse complement: ATP7B is on the minus strand); deleting any 7 consecutive bases within chr13:51,949,650-51,949,657 gives the same sequence; the c. name uses the placement nearest the transcript's 3' end. VCF-style (leftmost placement, unchanged base first): chr13-51949649-GCATTCAA-G. GRCh37 (hg19) VCF-style: chr13-52523785-GCATTCAA-G.
Other names: c.2379+6_2379+12del (NM_001406542.1, NM_001406541.1, NM_001406546.1); c.2613+6_2613+12del (NM_001406540.1, NM_001330579.2, NM_001406531.1 and 1 more transcripts); c.2577+60_2577+66del (NM_001406534.1); c.2631+6_2631+12del (NM_001406538.1, NM_001330578.2, NM_001406527.1 and 1 more transcripts); c.2721+6_2721+12del (NM_001406520.1, NM_001406537.1, NM_001406521.1 and 1 more transcripts); c.2730+351_2730+357del (NM_001406535.1, NM_001406519.1); c.2811+60_2811+66del (NM_001406515.1, NM_001406516.1); c.2865+6_2865+12del (NM_001406525.1, NM_001406523.1, NM_001406526.1 and 3 more transcripts); and 12 more.
Identifiers: ClinVar variation 3387587 (VCV003387587.1).